The following is an entry in ClinVar:

NM_018230.3(NUP133):c.567C>G (p.Ser189Arg)

Gene: NUP133 (nucleoporin 133; minus strand). Cytogenetic location: 1q42.13.
Variant type: single nucleotide variant.
Coding change: c.567C>G on transcript NM_018230.3 (MANE Select); coding-DNA position 567, C replaced by G.
Protein change: p.Ser189Arg; replaces serine 189 with arginine.
Molecular consequence: missense variant.
Genome position (GRCh38, 1-based): chr1:229,499,765, G>C on the plus strand (C>G on the coding strand, the complement: NUP133 is on the minus strand). VCF-style: chr1-229499765-G-C. GRCh37 (hg19) VCF-style: chr1-229635512-G-C.
Other names: short protein forms S189R.
Identifiers: ClinVar variation 1482380 (VCV001482380.6), dbSNP rs138400798, ClinGen allele CA1443789.

ClinVar aggregate classification (germline): Uncertain significance (1 of 4 stars; one submission).

Allele frequency attached by ClinVar (database versions not stated): ESP Exome Variant Server 0.00031; 1000 Genomes Project 0.00040; 1000 Genomes Project 30x 0.00047.
gnomAD v4.1: 147 of 1,614,044 alleles (0.0091%); highest among the groups gnomAD compares: Middle Eastern, 0.016%; no homozygotes.

Submission:

Labcorp Genetics (formerly Invitae), Labcorp
Classification: Uncertain significance. Last evaluated: 2024-10-25. Review status: criteria provided, single submitter. Criteria: Invitae Variant Classification Sherloc (09022015). Collection method: clinical testing. Allele origin: germline.
Comment: This sequence change replaces serine, which is neutral and polar, with arginine, which is basic and polar, at codon 189 of the NUP133 protein (p.Ser189Arg). This variant is present in population databases (rs138400798, gnomAD 0.01%). This variant has not been reported in the literature in individuals affected with NUP133-related conditions. ClinVar contains an entry for this variant (Variation ID: 1482380). An algorithm developed to predict the effect of missense changes on protein structure and function (PolyPhen-2) suggests that this variant is likely to be tolerated. In summary, the available evidence is currently insufficient to determine the role of this variant in disease. Therefore, it has been classified as a Variant of Uncertain Significance.